The following is an entry in ClinVar:

ClinVar aggregate classification (germline): Likely benign (1 of 4 stars; one submission).

Allele frequency attached by ClinVar (database versions not stated): 1000 Genomes Project 30x 0.00219; 1000 Genomes Project 0.00220; gnomAD 0.00287; TOPMed 0.00295; gnomAD exomes 0.00325; ExAC 0.00690.
gnomAD v4.1: 2,168 of 675,756 alleles (0.32%); highest among the groups gnomAD compares: Middle Eastern, 0.9%; 5 homozygotes.

Submission:

CeGaT Center for Human Genetics Tuebingen
Classification: Likely benign. Last evaluated: 2022-09-01. Review status: criteria provided, single submitter. Criteria: CeGaT Center For Human Genetics Tuebingen Variant Classification Criteria Version 2. Collection method: clinical testing. Allele origin: germline. Affected: yes. Observed: 2 variant alleles.
Comment: ADGRD2: BP4, BP7

NM_001395425.1(ADGRD2):c.336G>A (p.Leu112=)

Gene: ADGRD2 (adhesion G protein-coupled receptor D2; plus strand). Cytogenetic location: 9q33.3.
Variant type: single nucleotide variant.
Coding change: c.336G>A on transcript NM_001395425.1 (MANE Select); coding-DNA position 336, G replaced by A.
Protein change: p.Leu112=; no amino-acid change (leucine 112 retained).
Molecular consequence: synonymous variant.
Genome position (GRCh38, 1-based): chr9:124,453,057, G>A. VCF-style: chr9-124453057-G-A. GRCh37 (hg19) VCF-style: chr9-127215336-G-A.
Identifiers: ClinVar variation 2659492 (VCV002659492.24), dbSNP rs144326848, ClinGen allele CA5234843.